The following is an entry in ClinVar:

ClinVar aggregate classification (germline): Uncertain significance. Review status: criteria provided, multiple submitters, no conflicts (2 of 4 stars). 2 submissions from 2 submitters: Uncertain significance (2). Last evaluated 2025-01-01.

Conditions:
Inborn genetic diseases. Identifiers: MedGen C0950123, MeSH D030342.

Allele frequency attached by ClinVar (database versions not stated): gnomAD exomes below 0.00001; gnomAD 0.00001.

Submissions (2):

Ambry Genetics
Classification: Uncertain significance for Inborn genetic diseases. Last evaluated: 2025-01-01. Review status: criteria provided, single submitter. Criteria: Ambry Variant Classification Scheme 2023. Collection method: clinical testing. Allele origin: germline.

Labcorp Genetics (formerly Invitae), Labcorp
Classification: Uncertain significance. Last evaluated: 2023-11-17. Review status: criteria provided, single submitter. Criteria: Invitae Variant Classification Sherloc (09022015). Collection method: clinical testing. Allele origin: germline.
Comment: This sequence change replaces glycine, which is neutral and non-polar, with serine, which is neutral and polar, at codon 147 of the ADCY5 protein (p.Gly147Ser). The frequency data for this variant in the population databases is considered unreliable, as metrics indicate poor data quality at this position in the gnomAD database. This variant has not been reported in the literature in individuals affected with ADCY5-related conditions. Advanced modeling of protein sequence and biophysical properties (such as structural, functional, and spatial information, amino acid conservation, physicochemical variation, residue mobility, and thermodynamic stability) performed at Invitae indicates that this missense variant is not expected to disrupt ADCY5 protein function with a negative predictive value of 95%. In summary, the available evidence is currently insufficient to determine the role of this variant in disease. Therefore, it has been classified as a Variant of Uncertain Significance.

NM_183357.3(ADCY5):c.439G>A (p.Gly147Ser)

Gene: ADCY5 (adenylate cyclase 5; minus strand). Cytogenetic location: 3q21.1.
Variant type: single nucleotide variant.
Coding change: c.439G>A on transcript NM_183357.3 (MANE Select); coding-DNA position 439, G replaced by A.
Protein change: p.Gly147Ser; replaces glycine 147 with serine.
Molecular consequence: missense variant.
Genome position (GRCh38, 1-based): chr3:123,448,107, C>T on the plus strand (G>A on the coding strand, the complement: ADCY5 is on the minus strand). VCF-style: chr3-123448107-C-T. GRCh37 (hg19) VCF-style: chr3-123166954-C-T.
Other names: c.439G>A, p.Gly147Ser (NM_001378259.1); c.439G>A (NM_183357.2); short protein forms G147S.
Identifiers: ClinVar variation 2869118 (VCV002869118.4), dbSNP rs1192486882, ClinGen allele CA354357928.